The following is an entry in ClinVar:

ClinVar aggregate classification (germline): Pathogenic. Review status: reviewed by expert panel (3 of 4 stars). 6 submissions from 6 submitters: Pathogenic (1). 5 of the submissions do not count toward it. Last evaluated 2017-12-15.

Conditions:
Hereditary cancer-predisposing syndrome. Also called: Tumor predisposition; Hereditary Cancer Syndrome; Hereditary neoplastic syndrome; Neoplastic Syndromes, Hereditary. Identifiers: Orphanet 140162, MedGen C0027672, MeSH D009386, MONDO:0015356.
Hereditary breast ovarian cancer syndrome. Also called: Hereditary breast and ovarian cancer; Breast and ovarian cancer; BRCA1- and BRCA2-Associated Hereditary Breast and Ovarian Cancer; Hereditary breast and ovarian cancer syndrome; Hereditary breast and ovarian cancer syndrome (HBOC); Hereditary breast and/or ovarian cancer syndrome. Identifiers: Orphanet 145, MedGen C0677776, MeSH D061325, MONDO:0003582. Disease mechanism: loss of function.
Breast-ovarian cancer, familial, susceptibility to, 2 (BROVCA2). Also called: BRCA2 Hereditary Breast and Ovarian Cancer. Identifiers: Orphanet 145, MedGen C2675520, MONDO:0012933, OMIM 612555. Disease mechanism: loss of function.

Submissions (6):

Evidence-based Network for the Interpretation of Germline Mutant Alleles (ENIGMA)
Classification: Pathogenic for Breast-ovarian cancer, familial, susceptibility to, 2. Last evaluated: 2017-12-15. Review status: reviewed by expert panel. Criteria: ENIGMA BRCA1/2 Classification Criteria (2017-06-29). Collection method: curation. Allele origin: germline. Study: ENIGMA.
Comment: Variant allele predicted to encode a truncated non-functional protein.

Labcorp Genetics (formerly Invitae), Labcorp
Classification: Pathogenic for Hereditary breast ovarian cancer syndrome. Last evaluated: 2025-11-19. Review status: criteria provided, single submitter. Criteria: Invitae Variant Classification Sherloc (09022015). Collection method: clinical testing. Allele origin: germline. Not counted in ClinVar's aggregate classification.
Comment: This sequence change creates a premature translational stop signal (p.Arg3005Ilefs*12) in the BRCA2 gene. It is expected to result in an absent or disrupted protein product. Loss-of-function variants in BRCA2 are known to be pathogenic (PMID: 20104584). This variant is not present in population databases (gnomAD no frequency). This variant has not been reported in the literature in individuals affected with BRCA2-related conditions. For these reasons, this variant has been classified as Pathogenic.

Quest Diagnostics Nichols Institute San Juan Capistrano
Classification: Pathogenic. Last evaluated: 2024-03-27. Review status: criteria provided, single submitter. Criteria: Quest Diagnostics criteria. Collection method: clinical testing. Allele origin: unknown. Not counted in ClinVar's aggregate classification.
Comment: The BRCA2 c.9014_9015del (p.Arg3005Ilefs*12) variant alters the translational reading frame of the BRCA2 mRNA and causes the premature termination of BRCA2 protein synthesis. This variant has been reported in the published literature in an individual with breast cancer and lung cancer (PMID: 37461096 (2023)). This variant has not been reported in large, multi-ethnic general populations (Genome Aggregation Database). Based on the available information, this variant is classified as pathogenic.

Color Diagnostics, LLC DBA Color Health
Classification: Pathogenic for Hereditary cancer-predisposing syndrome. Last evaluated: 2020-01-15. Review status: criteria provided, single submitter. Criteria: ACMG Guidelines, 2015. Collection method: clinical testing. Allele origin: germline. Not counted in ClinVar's aggregate classification.
Comment: This variant deletes 2 nucleotides in exon 23 of the BRCA2 gene, creating a frameshift and premature translation stop signal. This variant is expected to result in an absent or non-functional protein product. This variant has not been identified in the general population by the Genome Aggregation Database (gnomAD). Loss of BRCA2 function is a known mechanism of disease. Based on the available evidence, this variant is classified as Pathogenic.

Ambry Genetics
Classification: Pathogenic for Hereditary cancer-predisposing syndrome. Last evaluated: 2019-12-13. Review status: criteria provided, single submitter. Criteria: Ambry Variant Classification Scheme 2023. Collection method: clinical testing. Allele origin: germline. Not counted in ClinVar's aggregate classification.
Comment: The c.9014_9015delGA pathogenic mutation, located in coding exon 22 of the BRCA2 gene, results from a deletion of two nucleotides at nucleotide positions 9014 to 9015, causing a translational frameshift with a predicted alternate stop codon (p.R3005Ifs*12). This alteration is expected to result in loss of function by premature protein truncation or nonsense-mediated mRNA decay. As such, this alteration is interpreted as a disease-causing mutation.

GeneDx
Classification: Pathogenic. Last evaluated: 2016-02-02. Review status: criteria provided, single submitter. Criteria: GeneDx Variant Classification (06012015). Collection method: clinical testing. Allele origin: germline. Affected: yes. Not counted in ClinVar's aggregate classification.
Comment: This deletion of two nucleotides in BRCA2 is denoted c.9014_9015delGA at the cDNA level and p.Arg3005IlefsX12 (R3005IfsX12) at the protein level. Using alternate nomenclature, this variant would be defined as BRCA2 9242_9243delGA. The normal sequence, with the bases that are deleted in braces, is AAGA[GA]TACA. The deletion causes a frameshift, which changes an Arginine to an Isoleucine at codon 3005, and creates a premature stop codon at position 12 of the new reading frame. Although this variant has not, to our knowledge, been reported in the literature, it is predicted to cause loss of normal protein function through either protein truncation or nonsense-mediated mRNA decay. We consider this variant to be pathogenic.

Literature cited by the submitters: PubMed 20104584 (cited by Labcorp Genetics (formerly Invitae), Labcorp); PubMed 37461096 (cited by Quest Diagnostics Nichols Institute San Juan Capistrano).

NM_000059.4(BRCA2):c.9014_9015del (p.Arg3005fs)

Gene: BRCA2 (BRCA2 DNA repair associated; plus strand). Cytogenetic location: 13q13.1.
Variant type: Microsatellite.
Coding change: c.9014_9015del on transcript NM_000059.4 (MANE Select); coding-DNA positions 9014 to 9015, 2 bases deleted (GA; older notation c.9014_9015delGA).
Protein change: p.Arg3005fs; shifts the reading frame from arginine 3005.
Molecular consequence: frameshift variant.
Genome position (GRCh38, 1-based): chr13:32,379,810-32,379,811, GA deleted; deleting any 2 consecutive bases within chr13:32,379,807-32,379,811 gives the same sequence; the c. name uses the placement nearest the transcript's 3' end. VCF-style (leftmost placement, unchanged base first): chr13-32379806-AAG-A. GRCh37 (hg19) VCF-style: chr13-32953943-AAG-A.
Other names: c.9014_9015delGA (NM_000059.3); short protein forms R3005fs.
Identifiers: ClinVar variation 234445 (VCV000234445.18), dbSNP rs876661023, ClinGen allele CA10577494.
Genomic context (GRCh38, chr13:32,379,806, plus strand): 5'-ACAGTTATACTGAGTATTTGGCGTCCATCATCAGATTTATATTCTCTGTTAACAGAAGGA[AAG>A]AGATACAGAATTTATCATCTTGCAACTTCAAAATCTAAAAGTAAATCTGAAAGAGCTAAC-3'